The following is an entry in ClinVar:

NM_004991.4(MECOM):c.1824T>G (p.Asp608Glu)

Gene: MECOM (MDS1 and EVI1 complex locus; minus strand). Cytogenetic location: 3q26.2.
Variant type: single nucleotide variant.
Coding change: c.1824T>G on transcript NM_004991.4 (MANE Select); coding-DNA position 1824, T replaced by G.
Protein change: p.Asp608Glu; replaces aspartic acid 608 with glutamic acid.
Molecular consequence: missense variant. On other transcripts: intron variant (2).
Genome position (GRCh38, 1-based): chr3:169,116,048, A>C on the plus strand (T>G on the coding strand, the complement: MECOM is on the minus strand). VCF-style: chr3-169116048-A-C. GRCh37 (hg19) VCF-style: chr3-168833836-A-C.
Other names: c.1455T>G, p.Asp485Glu (NM_001105077.4); c.1260T>G, p.Asp420Glu (NM_001105078.4, NM_001164000.2, NM_001205194.2 and 4 more transcripts); c.1263T>G, p.Asp421Glu (NM_001163999.2, NM_001366467.2, NM_001366468.2 and 1 more transcripts); c.1824T>G, p.Asp608Glu (NM_001366466.2); c.1133-281T>G (NM_001366473.2); c.569-281T>G (NM_001366474.2); short protein forms D420E, D608E, D485E, D421E.
Identifiers: ClinVar variation 4826716 (VCV004826716.1).
Genomic context (GRCh38, chr3:169,116,048, plus strand): 5'-ATTCTGAAGAGGGCTTACTTTGTCTTTGAACATTTTACCATTTTCTTTAAATTTCTCTTT[A>C]TCACTTTCAATGTCACTTTCCAGATCAGAGCCCGAGGTTGTTTCCAGGTCACTGCCACTT-3'
Protein context (NP_004982.2, residues 598-618): GSDLESDIES[Asp608Glu]KEKFKENGKM

ClinVar aggregate classification (germline): Uncertain significance (1 of 4 stars; one submission).

Conditions:
Inborn genetic diseases. Identifiers: MedGen C0950123, MeSH D030342.

Submission:

Ambry Genetics
Classification: Uncertain significance for Inborn genetic diseases. Last evaluated: 2026-03-06. Review status: criteria provided, single submitter. Criteria: Ambry Variant Classification Scheme 2023. Collection method: clinical testing. Allele origin: germline.
Comment: The p.D608E variant (also known as c.1824T>G), located in coding exon 8 of the MECOM gene, results from a T to G substitution at nucleotide position 1824. The aspartic acid at codon 608 is replaced by glutamic acid, an amino acid with highly similar properties. This amino acid position is conserved. In addition, this alteration is predicted to be tolerated by in silico analysis. Based on the available evidence, the clinical significance of this variant remains unclear.